The following is an entry in ClinVar:

ClinVar aggregate classification (germline): Benign. Review status: criteria provided, multiple submitters, no conflicts (2 of 4 stars). 2 submissions from 2 submitters: Benign (2). Last evaluated 2018-01-13.

Conditions:
Episodic ataxia type 5. Identifiers: Orphanet 211067, MedGen C1866039, MONDO:0013464, OMIM 613855.

Allele frequency attached by ClinVar (database versions not stated): gnomAD 0.33115 and 0.33279; TOPMed 0.34178; 1000 Genomes Project 30x 0.45800; 1000 Genomes Project 0.46026.

Submissions (2):

Illumina Laboratory Services, Illumina
Classification: Benign for Episodic ataxia type 5. Last evaluated: 2018-01-13. Review status: criteria provided, single submitter. Criteria: ICSL Variant Classification Criteria 13 December 2019. Collection method: clinical testing. Allele origin: germline.
Comment: This variant was observed in the ICSL laboratory as part of a predisposition screen in an ostensibly healthy population. It had not been previously curated by ICSL or reported in the Human Gene Mutation Database (HGMD: prior to June 1st, 2018), and was therefore a candidate for classification through an automated scoring system. Utilizing variant allele frequency, disease prevalence and penetrance estimates, and inheritance mode, an automated score was calculated to assess if this variant is too frequent to cause the disease. Based on the score and internal cut-off values, a variant classified as benign is not then subjected to further curation. The score for this variant resulted in a classification of benign for this disease.

Breakthrough Genomics
Classification: Benign. Review status: criteria provided, single submitter. Criteria: ACMG Guidelines, 2015. Collection method: not provided. Allele origin: germline. Inheritance: Autosomal dominant inheritance. Affected: yes.

NM_000726.5(CACNB4):c.*3804G>C

Gene: CACNB4 (calcium voltage-gated channel auxiliary subunit beta 4; minus strand). Cytogenetic location: 2q23.3.
Variant type: single nucleotide variant.
Coding change: c.*3804G>C on transcript NM_000726.5 (MANE Select); 3804 bases downstream of the stop codon, G replaced by C.
Molecular consequence: 3 prime UTR variant.
Genome position (GRCh38, 1-based): chr2:151,835,315, C>G on the plus strand (G>C on the coding strand, the complement: CACNB4 is on the minus strand). VCF-style: chr2-151835315-C-G. GRCh37 (hg19) VCF-style: chr2-152691829-C-G.
Other names: c.*3804G>C (NM_001330118.2, NM_001005746.4, NM_001005747.4 and 7 more transcripts).
Identifiers: ClinVar variation 331574 (VCV000331574.7), dbSNP rs2344734, ClinGen allele CA10612546.